The following is an entry in ClinVar:

NM_001134363.3(RBM20):c.2201G>A (p.Arg734Gln)

Gene: RBM20 (RNA binding motif protein 20; plus strand). Cytogenetic location: 10q25.2.
Variant type: single nucleotide variant.
Coding change: c.2201G>A on transcript NM_001134363.3 (MANE Select); coding-DNA position 2201, G replaced by A.
Protein change: p.Arg734Gln; replaces arginine 734 with glutamine.
Molecular consequence: missense variant.
Genome position (GRCh38, 1-based): chr10:110,812,598, G>A. VCF-style: chr10-110812598-G-A. GRCh37 (hg19) VCF-style: chr10-112572356-G-A.
Other names: short protein forms R734Q.
Identifiers: ClinVar variation 178112 (VCV000178112.26), dbSNP rs372923744, ClinGen allele CA181428.

ClinVar aggregate classification (germline): Likely benign. Review status: criteria provided, multiple submitters, no conflicts (2 of 4 stars). 6 submissions from 6 submitters: Likely benign (6). Last evaluated 2026-02-23.

Conditions:
Cardiovascular phenotype. Identifiers: MedGen CN230736.
Dilated cardiomyopathy 1DD (CMD1DD). Identifiers: Orphanet 154, MedGen C2750995, MONDO:0013168, OMIM 613172.

Allele frequency attached by ClinVar (database versions not stated): gnomAD exomes 0.00008; ExAC 0.00020; gnomAD 0.00023 and 0.00026; TOPMed 0.00033; ESP Exome Variant Server 0.00044.
gnomAD v4.1: 96 of 1,551,572 alleles (0.0062%); highest among the groups gnomAD compares: African/African-American, 0.099%; no homozygotes.

Submissions (6):

Women's Health and Genetics/Laboratory Corporation of America, LabCorp
Classification: Likely benign. Last evaluated: 2026-02-23. Review status: criteria provided, single submitter. Criteria: LabCorp Variant Classification Summary - May 2015. Collection method: clinical testing. Allele origin: germline.

Labcorp Genetics (formerly Invitae), Labcorp
Classification: Likely benign for Dilated cardiomyopathy 1DD. Last evaluated: 2026-01-31. Review status: criteria provided, single submitter. Criteria: Invitae Variant Classification Sherloc (09022015). Collection method: clinical testing. Allele origin: germline.

ARUP Laboratories, Molecular Genetics and Genomics, ARUP Laboratories
Classification: Likely benign for Dilated cardiomyopathy 1DD. Last evaluated: 2025-05-29. Review status: criteria provided, single submitter. Criteria: ARUP Molecular Germline Variant Investigation Process 2024. Collection method: clinical testing. Allele origin: germline.

Ambry Genetics
Classification: Likely benign for Cardiovascular phenotype. Last evaluated: 2021-10-12. Review status: criteria provided, single submitter. Criteria: Ambry Variant Classification Scheme 2023. Collection method: clinical testing. Allele origin: germline.

GeneDx
Classification: Likely benign. Last evaluated: 2020-06-26. Review status: criteria provided, single submitter. Criteria: GeneDx Variant Classification Process June 2021. Collection method: clinical testing. Allele origin: germline. Affected: yes.
Comment: This variant is associated with the following publications: (PMID: 32880476)

Laboratory for Molecular Medicine, Mass General Brigham Personalized Medicine
Classification: Likely benign. Last evaluated: 2019-04-17. Review status: criteria provided, single submitter. Criteria: LMM Criteria. Collection method: clinical testing. Allele origin: germline. Observed: 3 variant alleles.
Comment: The p.Arg734Gln variant in RBM20 is classified as likely benign because it has been identified in 0.1% (19/16596) of African chromosomes by gnomAD. ACMG/AMP Criteria applied: BS1.

Literature cited by the submitters: PubMed 25351510 (cited by Ambry Genetics); PubMed 32344918 (cited by Ambry Genetics); PubMed 32880476 (cited by Ambry Genetics).